The following is an entry in ClinVar:

NM_006922.4(SCN3A):c.5303C>T (p.Ala1768Val)

Gene: SCN3A (sodium voltage-gated channel alpha subunit 3; minus strand). Cytogenetic location: 2q24.3.
Variant type: single nucleotide variant.
Coding change: c.5303C>T on transcript NM_006922.4 (MANE Select); coding-DNA position 5303, C replaced by T.
Protein change: p.Ala1768Val; replaces alanine 1768 with valine.
Molecular consequence: missense variant.
Genome position (GRCh38, 1-based): chr2:165,090,850, G>A on the plus strand (C>T on the coding strand, the complement: SCN3A is on the minus strand). VCF-style: chr2-165090850-G-A. GRCh37 (hg19) VCF-style: chr2-165947360-G-A.
Other names: c.5156C>T, p.Ala1719Val (NM_001081676.2, NM_001081677.2); short protein forms A1719V, A1768V.
Identifiers: ClinVar variation 1800538 (VCV001800538.1), dbSNP rs765165989, ClinGen allele CA1938418.

ClinVar aggregate classification (germline): Uncertain significance (1 of 4 stars; one submission).

Allele frequency attached by ClinVar (database versions not stated): ExAC 0.00001; gnomAD exomes 0.00001.
gnomAD v4.1: 8 of 1,614,016 alleles (0.0005%); highest among the groups gnomAD compares: Non-Finnish European, 0.00068%; no homozygotes.

Submission:

GeneDx
Classification: Uncertain significance. Last evaluated: 2022-11-08. Review status: criteria provided, single submitter. Criteria: GeneDx Variant Classification Process June 2021. Collection method: clinical testing. Allele origin: germline. Affected: yes.
Comment: Not observed at significant frequency in large population cohorts (gnomAD); In silico analysis supports that this missense variant has a deleterious effect on protein structure/function; Has not been previously published as pathogenic or benign to our knowledge; This variant is associated with the following publications: (PMID: 27535533)